The following is an entry in ClinVar:

NM_006420.3(ARFGEF2):c.4777A>G (p.Ile1593Val)

Gene: ARFGEF2 (ARF guanine nucleotide exchange factor 2; plus strand). Cytogenetic location: 20q13.13.
Variant type: single nucleotide variant.
Coding change: c.4777A>G on transcript NM_006420.3 (MANE Select); coding-DNA position 4777, A replaced by G.
Protein change: p.Ile1593Val; replaces isoleucine 1593 with valine.
Molecular consequence: missense variant.
Genome position (GRCh38, 1-based): chr20:49,025,334, A>G. VCF-style: chr20-49025334-A-G. GRCh37 (hg19) VCF-style: chr20-47641871-A-G.
Other names: short protein forms I1593V.
Identifiers: ClinVar variation 1444822 (VCV001444822.6), dbSNP rs2123564658, ClinGen allele CA409334722.
Genomic context (GRCh38, chr20:49,025,334, plus strand): 5'-TTCTTCATTAGCTCTTCTATCCTCTGTCCTGTCCTCTAGCAAGACACGCTGGATGCAGAT[A>G]TCCACATAGAGACGGAGGATCAGGGCATGTATAAGTACATGTCTTCCCAGCACCTCTTCA-3'
Protein context (NP_006411.2, residues 1583-1603): AAQQDTLDAD[Ile1593Val]HIETEDQGMY

ClinVar aggregate classification (germline): Uncertain significance (1 of 4 stars; one submission).

Allele frequency attached by ClinVar (database versions not stated): gnomAD exomes below 0.00001.
gnomAD v4.1: 2 of 1,612,950 alleles (0.00012%); highest among the groups gnomAD compares: Non-Finnish European, 0.00017%; no homozygotes.

Submission:

Labcorp Genetics (formerly Invitae), Labcorp
Classification: Uncertain significance. Last evaluated: 2021-03-03. Review status: criteria provided, single submitter. Criteria: Invitae Variant Classification Sherloc (09022015). Collection method: clinical testing. Allele origin: germline.
Comment: In summary, the available evidence is currently insufficient to determine the role of this variant in disease. Therefore, it has been classified as a Variant of Uncertain Significance. Algorithms developed to predict the effect of missense changes on protein structure and function (SIFT, PolyPhen-2, Align-GVGD) all suggest that this variant is likely to be tolerated, but these predictions have not been confirmed by published functional studies and their clinical significance is uncertain. This variant has not been reported in the literature in individuals with ARFGEF2-related conditions. This variant is not present in population databases (ExAC no frequency). This sequence change replaces isoleucine with valine at codon 1593 of the ARFGEF2 protein (p.Ile1593Val). The isoleucine residue is moderately conserved and there is a small physicochemical difference between isoleucine and valine.